The following is an entry in ClinVar:

ClinVar aggregate classification (germline): Uncertain significance (1 of 4 stars; one submission).

Conditions:
Familial thoracic aortic aneurysm and aortic dissection (TAAD). Also called: Thoracic aortic aneurysms and dissections. Identifiers: Orphanet 91387, MedGen C4707243, MONDO:0019625.

Submission:

Ambry Genetics
Classification: Uncertain significance for Familial thoracic aortic aneurysm and aortic dissection. Last evaluated: 2022-12-11. Review status: criteria provided, single submitter. Criteria: Ambry Variant Classification Scheme 2023. Collection method: clinical testing. Allele origin: germline.
Comment: The p.S1778G variant (also known as c.5332A>G), located in coding exon 37 of the MED12 gene, results from an A to G substitution at nucleotide position 5332. The serine at codon 1778 is replaced by glycine, an amino acid with similar properties. This amino acid position is conserved. In addition, this alteration is predicted to be tolerated by in silico analysis. Since supporting evidence is limited at this time, the clinical significance of this alteration remains unclear.

NM_005120.3(MED12):c.5332A>G (p.Ser1778Gly)

Gene: MED12 (mediator complex subunit 12; plus strand). Cytogenetic location: Xq13.1.
Variant type: single nucleotide variant.
Coding change: c.5332A>G on transcript NM_005120.3 (MANE Select); coding-DNA position 5332, A replaced by G.
Protein change: p.Ser1778Gly; replaces serine 1778 with glycine.
Molecular consequence: missense variant.
Genome position (GRCh38, 1-based): chrX:71,136,587, A>G. VCF-style: chrX-71136587-A-G. GRCh37 (hg19) VCF-style: chrX-70356437-A-G.
Other names: short protein forms S1778G.
Identifiers: ClinVar variation 2450599 (VCV002450599.2), dbSNP rs2519711883, ClinGen allele CA413534980.
Genomic context (GRCh38, chrX:71,136,587, plus strand): 5'-GAGCCTGAGAAAAAGGCTCCAGAGCCCCCCAAAACTGACAAACCGGGGGCTGCTCCACCC[A>G]GTACTGAGGAACGCAAGAAGAAGTCCACCAAGGGCAAGAAACGCAGCCAGCCAGCTACCA-3'
Protein context (NP_005111.2, residues 1768-1788): KTDKPGAAPP[Ser1778Gly]TEERKKKSTK